The following is an entry in ClinVar:

ClinVar aggregate classification (germline): Uncertain significance (1 of 4 stars; one submission).

Conditions:
Immunodeficiency. Identifiers: MedGen C0021051, MONDO:0021094, HP:0002721.

Allele frequency attached by ClinVar (database versions not stated): TOPMed below 0.00001; ExAC 0.00001.

Submission:

Labcorp Genetics (formerly Invitae), Labcorp
Classification: Uncertain significance for Immunodeficiency. Last evaluated: 2019-04-18. Review status: criteria provided, single submitter. Criteria: Invitae Variant Classification Sherloc (09022015). Collection method: clinical testing. Allele origin: germline.
Comment: This sequence change replaces asparagine with serine at codon 410 of the NFAT5 protein (p.Asn410Ser). The asparagine residue is highly conserved and there is a small physicochemical difference between asparagine and serine. This variant is present in population databases (rs751885798, ExAC 0.002%). This variant has not been reported in the literature in individuals with NFAT5-related conditions. Algorithms developed to predict the effect of missense changes on protein structure and function output the following: SIFT: "Tolerated"; PolyPhen-2: "Benign"; Align-GVGD: "Class C0". The serine amino acid residue is found in multiple mammalian species, suggesting that this missense change does not adversely affect protein function. These predictions have not been confirmed by published functional studies and their clinical significance is uncertain. In summary, the available evidence is currently insufficient to determine the role of this variant in disease. Therefore, it has been classified as a Variant of Uncertain Significance.

NM_138713.4(NFAT5):c.1511A>G (p.Asn504Ser)

Gene: NFAT5 (nuclear factor of activated T cells 5; plus strand). Cytogenetic location: 16q22.1.
Variant type: single nucleotide variant.
Coding change: c.1511A>G on transcript NM_138713.4 (MANE Select); coding-DNA position 1511, A replaced by G.
Protein change: p.Asn504Ser; replaces asparagine 504 with serine.
Molecular consequence: missense variant.
Genome position (GRCh38, 1-based): chr16:69,670,242, A>G. VCF-style: chr16-69670242-A-G. GRCh37 (hg19) VCF-style: chr16-69704145-A-G.
Other names: c.1511A>G, p.Asn504Ser (NM_001113178.3); c.839A>G, p.Asn280Ser (NM_001367709.1); c.1457A>G, p.Asn486Ser (NM_006599.4); c.1229A>G, p.Asn410Ser (NM_138714.4, NM_173214.3, NM_173215.3); short protein forms N280S, N410S, N504S, N486S.
Identifiers: ClinVar variation 946659 (VCV000946659.9), dbSNP rs751885798, ClinGen allele CA8135569.